The following is an entry in ClinVar:

NM_001378615.1(CC2D2A):c.3505G>T (p.Glu1169Ter)

Genes: FBXL5 (F-box and leucine rich repeat protein 5; minus strand), CC2D2A (coiled-coil and C2 domain containing 2A; plus strand). Cytogenetic location: 4p15.32.
Variant type: single nucleotide variant.
Coding change: c.3505G>T on transcript NM_001378615.1 (MANE Select); coding-DNA position 3505, G replaced by T.
Protein change: p.Glu1169Ter; replaces glutamic acid 1169 with a stop codon.
Molecular consequence: nonsense.
Genome position (GRCh38, 1-based): chr4:15,570,407, G>T. VCF-style: chr4-15570407-G-T. GRCh37 (hg19) VCF-style: chr4-15572030-G-T.
Other names: c.3505G>T, p.Glu1169Ter (NM_001080522.2); c.3358G>T, p.Glu1120Ter (NM_001378617.1); short protein forms E1120*, E1169*.
Identifiers: ClinVar variation 2127441 (VCV002127441.4), dbSNP rs890421496, ClinGen allele CA356421625.

ClinVar aggregate classification (germline): Pathogenic (1 of 4 stars; one submission).

Conditions:
Joubert syndrome. Also called: JOUBERT-BOLTSHAUSER SYNDROME; Familial aplasia of the vermis. Identifiers: Orphanet 475, MedGen C5979921, MONDO:0018772.
Meckel-Gruber syndrome. Also called: DYSENCEPHALIA SPLANCHNOCYSTICA; GRUBER SYNDROME; Dysencephalia splachnocystica. Identifiers: Orphanet 564, MedGen C0265215, MONDO:0018921.

Submission:

Labcorp Genetics (formerly Invitae), Labcorp
Classification: Pathogenic for Joubert syndrome; Meckel-Gruber syndrome. Last evaluated: 2024-02-24. Review status: criteria provided, single submitter. Criteria: Invitae Variant Classification Sherloc (09022015). Collection method: clinical testing. Allele origin: germline.
Comment: This sequence change creates a premature translational stop signal (p.Glu1169*) in the CC2D2A gene. It is expected to result in an absent or disrupted protein product. Loss-of-function variants in CC2D2A are known to be pathogenic (PMID: 19777577). This variant is not present in population databases (gnomAD no frequency). This variant has not been reported in the literature in individuals affected with CC2D2A-related conditions. ClinVar contains an entry for this variant (Variation ID: 2127441). For these reasons, this variant has been classified as Pathogenic.

Literature cited by the submitters: PubMed 19777577.